The following is an entry in ClinVar:

ClinVar aggregate classification (germline): Uncertain significance (1 of 4 stars; one submission).

Conditions:
Intellectual developmental disorder, autosomal dominant 1. Also called: MBD5 Haploinsufficiency; Intellectual disability, autosomal dominant 1. Identifiers: Orphanet 228402, MedGen C1969562, MONDO:0007974, OMIM 156200.

Submission:

Labcorp Genetics (formerly Invitae), Labcorp
Classification: Uncertain significance for Intellectual developmental disorder, autosomal dominant 1. Last evaluated: 2026-01-19. Review status: criteria provided, single submitter. Criteria: Invitae Variant Classification Sherloc (09022015). Collection method: clinical testing. Allele origin: germline.
Comment: This sequence change replaces serine, which is neutral and polar, with phenylalanine, which is neutral and non-polar, at codon 353 of the MBD5 protein (p.Ser353Phe). This variant is not present in population databases (gnomAD no frequency). This variant has not been reported in the literature in individuals affected with MBD5-related conditions. Invitae Evidence Modeling of protein sequence and biophysical properties (such as structural, functional, and spatial information, amino acid conservation, physicochemical variation, residue mobility, and thermodynamic stability) indicates that this missense variant is not expected to disrupt MBD5 protein function with a negative predictive value of 80%. In summary, the available evidence is currently insufficient to determine the role of this variant in disease. Therefore, it has been classified as a Variant of Uncertain Significance.

NM_001378120.1(MBD5):c.1058C>T (p.Ser353Phe)

Gene: MBD5 (methyl-CpG binding domain protein 5; plus strand). Cytogenetic location: 2q23.1.
Variant type: single nucleotide variant.
Coding change: c.1058C>T on transcript NM_001378120.1 (MANE Select); coding-DNA position 1058, C replaced by T.
Protein change: p.Ser353Phe; replaces serine 353 with phenylalanine.
Molecular consequence: missense variant.
Genome position (GRCh38, 1-based): chr2:148,469,001, C>T. VCF-style: chr2-148469001-C-T. GRCh37 (hg19) VCF-style: chr2-149226570-C-T.
Other names: c.1058C>T, p.Ser353Phe (NM_001438854.1, NM_001438855.1, NM_001438856.1 and 7 more transcripts); short protein forms S353F.
Identifiers: ClinVar variation 4770502 (VCV004770502.1).
Genomic context (GRCh38, chr2:148,469,001, plus strand): 5'-CCCAAGGCCCACCTCCCCCTCCTCCACCTTCTTGTGCTCTTCAGAAAAAGCCATTAACAT[C>T]TGAGAAAGATCCACTTGGCATTCTTGACCCTATTCCTAGTAAACCAGTGAATCAGAACCC-3'
Protein context (NP_001365049.1, residues 343-363): SCALQKKPLT[Ser353Phe]EKDPLGILDP